The following is an entry in ClinVar:

NM_000441.2(SLC26A4):c.165-1G>A

Gene: SLC26A4 (solute carrier family 26 member 4; plus strand). Cytogenetic location: 7q22.3.
Variant type: single nucleotide variant.
Coding change: c.165-1G>A on transcript NM_000441.2 (MANE Select); the canonical splice acceptor site of the intron before coding-DNA position 165, G replaced by A.
Molecular consequence: splice acceptor variant.
Genome position (GRCh38, 1-based): chr7:107,663,295, G>A. VCF-style: chr7-107663295-G-A. GRCh37 (hg19) VCF-style: chr7-107303740-G-A.
Identifiers: ClinVar variation 828068 (VCV000828068.21), dbSNP rs759792660, ClinGen allele CA4432384.
Genomic context (GRCh38, chr7:107,663,295, plus strand): 5'-ATTTGCAAATTGGTTGTGACTGAGATTGGATTGAAAACCCAGTTTTCTTGCTTTTTGACA[G>A]TTGTTCAAGAAAGAGAGCCTTTGGTGTGCTAAAGACTCTTGTGCCCATCTTGGAGTGGCT-3'

ClinVar aggregate classification (germline): Pathogenic/Likely pathogenic. Review status: criteria provided, multiple submitters, no conflicts (2 of 4 stars). 9 submissions from 9 submitters: Pathogenic (7); Likely pathogenic (2). Last evaluated 2025-11-06.

Conditions:
SLC26A4-related disorder. Also called: SLC26A4-related disorders; SLC26A4-related condition.
Pendred syndrome (PDS). Also called: Pendred Syndrome (PDS); DEAFNESS WITH GOITER; GOITER-DEAFNESS SYNDROME; Pendred's syndrome; HYPOTHYROIDISM, CONGENITAL, DUE TO DYSHORMONOGENESIS, 2B; THYROID DYSHORMONOGENESIS 2B. Identifiers: Orphanet 705, MedGen C0271829, MONDO:0010134, OMIM 274600.
Autosomal recessive nonsyndromic hearing loss 4 (DFNB4). Also called: FOXI1-Related Pendred Syndrome; KCNJ10-Related Pendred Syndrome; Deafness, autosomal recessive 4, with enlarged vestibular aqueduct; Deafness, autosomal recessive 4; DEAFNESS, AUTOSOMAL RECESSIVE 4, WITH ENLARGED VESTIBULAR AQUEDUCT, DIGENIC; NEUROSENSORY NONSYNDROMIC RECESSIVE DEAFNESS 4. Identifiers: Orphanet 90636, MedGen C3538946, MONDO:0010933, OMIM 600791.

Allele frequency attached by ClinVar (database versions not stated): TOPMed 0.00001; gnomAD exomes 0.00002 and 0.00005; ExAC 0.00007.
gnomAD v4.1: 12 of 1,614,202 alleles (0.00074%); highest among the groups gnomAD compares: Admixed American, 0.018%; no homozygotes.

Submissions (9):

PreventionGenetics, part of Exact Sciences
Classification: Pathogenic for SLC26A4-related condition. Last evaluated: 2025-11-06. Review status: criteria provided, single submitter. Criteria: ACMG Guidelines, 2015. Collection method: clinical testing. Allele origin: germline.
Comment: The SLC26A4 c.165-1G>A variant is predicted to disrupt the AG splice acceptor site and interfere with normal splicing. This variant was reported in the heterozygous state along with a second pathogenic variant in multiple individual with Pendred syndrome or nonsyndromic hearing loss (Gonzalez Trevino et al. 2001. PubMed ID: 11375792; Cengiz et al. 2017. PubMed ID: 28964290; Table S1, Peart et al. 2023. PubMed ID: 37996878). This variant is reported in 0.032% of alleles in individuals of Latino descent in gnomAD. Variants that disrupt the consensus splice acceptor site in SLC26A4 are expected to be pathogenic. This variant is interpreted as pathogenic.

Labcorp Genetics (formerly Invitae), Labcorp
Classification: Pathogenic. Last evaluated: 2025-10-30. Review status: criteria provided, single submitter. Criteria: Invitae Variant Classification Sherloc (09022015). Collection method: clinical testing. Allele origin: germline.
Comment: This sequence change affects an acceptor splice site in intron 2 of the SLC26A4 gene. It is expected to disrupt RNA splicing. Variants that disrupt the donor or acceptor splice site typically lead to a loss of protein function (PMID: 16199547), and loss-of-function variants in SLC26A4 are known to be pathogenic (PMID: 16283880, 25394566, 26252218, 26445815). This variant is present in population databases (rs759792660, gnomAD 0.03%). Disruption of this splice site has been observed in individual(s) with Pendred syndrome (PMID: 11375792). It has also been observed to segregate with disease in related individuals. This variant is also known as IVS2-1G>A. ClinVar contains an entry for this variant (Variation ID: 828068). Algorithms developed to predict the effect of sequence changes on RNA splicing suggest that this variant may disrupt the consensus splice site. For these reasons, this variant has been classified as Pathogenic.

Natera, Inc.
Classification: Pathogenic for Pendred syndrome. Last evaluated: 2025-08-11. Review status: criteria provided, single submitter. Criteria: Natera Variant Classification Schema (03/2026). Collection method: clinical testing. Allele origin: germline.
Comment: The c.165-1G>A variant in SLC26A4 is a canonical splice acceptor site variant predicted to affect pre-mRNA splicing, which may result in an abnormal transcript and altered protein product. This variant is expected to result in nonsense mediated decay, truncation, or a dysfunctional protein product. This variant is rare in the general population with a frequency below the threshold expected for the associated phenotype(s). This variant has been observed in one or more individuals affected with the associated recessive disease, as either homozygous or compound heterozygous with a second variant (PMID: 25991456, 28964290). Given the available evidence, this variant is classified as Pathogenic.

Baylor Genetics
Classification: Pathogenic for Autosomal recessive nonsyndromic hearing loss 4. Last evaluated: 2024-02-11. Review status: criteria provided, single submitter. Criteria: ACMG Guidelines, 2015. Collection method: clinical testing. Allele origin: unknown.

Women's Health and Genetics/Laboratory Corporation of America, LabCorp
Classification: Pathogenic for Pendred syndrome. Last evaluated: 2023-12-12. Review status: criteria provided, single submitter. Criteria: LabCorp Variant Classification Summary - May 2015. Collection method: clinical testing. Allele origin: germline.
Comment: Variant summary: SLC26A4 c.165-1G>A is located in a canonical splice-site and is predicted to affect mRNA splicing resulting in a significantly altered protein due to either exon skipping, shortening, or inclusion of intronic material. Several computational tools predict a significant impact on normal splicing: Four predict the variant abolishes a 3' acceptor site. However, these predictions have yet to be confirmed by functional studies. The variant allele was found at a frequency of 4.8e-05 in 251488 control chromosomes. This frequency is not significantly higher than estimated for a pathogenic variant in SLC26A4 causing Pendred Syndrome (4.8e-05 vs 0.0035), allowing no conclusion about variant significance. c.165-1G>A has been reported in the literature in multiple compound heterozygous individuals affected with Pendred Syndrome (e.g. GonzalezTrevino_2001) or with bilateral sensorineural hearing loss (e.g. Tang_2015, Cengiz_2017). These data indicate that the variant is likely to be associated with disease. To our knowledge, no experimental evidence demonstrating an impact on protein function has been reported. The following publications have been ascertained in the context of this evaluation (PMID: 28964290, 11375792, 25991456). Five submitters have cited clinical-significance assessments for this variant to ClinVar after 2014. All submitters classified the variant as pathogenic (n=3) or likely pathogenic (n=2). Based on the evidence outlined above, the variant was classified as pathogenic.

GeneDx
Classification: Pathogenic. Last evaluated: 2021-12-22. Review status: criteria provided, single submitter. Criteria: GeneDx Variant Classification Process June 2021. Collection method: clinical testing. Allele origin: germline. Affected: yes.
Comment: Canonical splice site variant in a gene for which loss-of-function is a known mechanism of disease; This variant is associated with the following publications: (PMID: 28964290, 25525159, 11375792, 21366435, 11748854)

Genome-Nilou Lab
Classification: Likely pathogenic for Pendred syndrome. Last evaluated: 2021-09-05. Review status: criteria provided, single submitter. Criteria: ACMG Guidelines, 2015. Collection method: clinical testing. Allele origin: germline. Affected: no.

Blueprint Genetics
Classification: Pathogenic for SLC26A4-related disorders. Last evaluated: 2020-03-31. Review status: criteria provided, single submitter. Criteria: ACMG Guidelines, 2015. Collection method: clinical testing. Allele origin: germline. Affected: yes. Observed: 1 variant allele.

NxGen MDx
Classification: Likely pathogenic for Pendred syndrome. Last evaluated: 2019-11-26. Review status: criteria provided, single submitter. Criteria: ACMG Guidelines, 2015. Collection method: clinical testing. Allele origin: germline. Inheritance: Autosomal recessive inheritance. Affected: no.
Comment: This is a predicted null variant in a splice site (PVS1). The GnomAD exomes allele frequency = 0.0000477 is less than 0.0001 threshold for the recessive gene, SLC26A4 (good GnomAD exomes coverage = 93.2), and the variant is not found in GnomAD genomes (PM2). Variant cited as pathogenic in PMIDs: 28964290 and 11748854. Predicted pathogenic in computational models (DANN, EIGEN, FATHMM-MKL and MutationTaster) with no benign predictions (PP3).

Literature cited by the submitters: PubMed 16199547 (cited by Labcorp Genetics (formerly Invitae), Labcorp); PubMed 16283880 (cited by Labcorp Genetics (formerly Invitae), Labcorp); PubMed 25394566 (cited by Labcorp Genetics (formerly Invitae), Labcorp); PubMed 26252218 (cited by Labcorp Genetics (formerly Invitae), Labcorp); PubMed 26445815 (cited by Labcorp Genetics (formerly Invitae), Labcorp); PubMed 11375792 (cited by Labcorp Genetics (formerly Invitae), Labcorp and Women's Health and Genetics/Laboratory Corporation of America, LabCorp); PubMed 25991456 (cited by Natera, Inc. and Women's Health and Genetics/Laboratory Corporation of America, LabCorp); PubMed 28964290 (cited by Natera, Inc. and Women's Health and Genetics/Laboratory Corporation of America, LabCorp).